The following is an entry in ClinVar:

NM_001098511.3(KIF2A):c.1024G>A (p.Ala342Thr)

Gene: KIF2A (kinesin family member 2A; plus strand). Cytogenetic location: 5q12.1.
Variant type: single nucleotide variant.
Coding change: c.1024G>A on transcript NM_001098511.3 (MANE Select); coding-DNA position 1024, G replaced by A.
Protein change: p.Ala342Thr; replaces alanine 342 with threonine.
Molecular consequence: missense variant.
Genome position (GRCh38, 1-based): chr5:62,361,526, G>A. VCF-style: chr5-62361526-G-A. GRCh37 (hg19) VCF-style: chr5-61657353-G-A.
Other names: c.943G>A, p.Ala315Thr (NM_001243952.2); c.967G>A, p.Ala323Thr (NM_001243953.2); c.1024G>A, p.Ala342Thr (NM_004520.5); short protein forms A315T, A323T, A342T.
Identifiers: ClinVar variation 1311891 (VCV001311891.9), dbSNP rs758143705, ClinGen allele CA3278900.

ClinVar aggregate classification (germline): Conflicting classifications of pathogenicity. Review status: criteria provided, conflicting classifications (1 of 4 stars). 2 submissions from 2 submitters: Uncertain significance (1); Likely benign (1). Last evaluated 2024-02-02.

Allele frequency attached by ClinVar (database versions not stated): gnomAD 0.00001; TOPMed 0.00001; gnomAD exomes 0.00002 and 0.00003; ExAC 0.00003.
gnomAD v4.1: 38 of 1,541,680 alleles (0.0025%); highest among the groups gnomAD compares: Non-Finnish European, 0.0033%; no homozygotes.

Submissions (2):

Labcorp Genetics (formerly Invitae), Labcorp
Classification: Likely benign. Last evaluated: 2024-02-02. Review status: criteria provided, single submitter. Criteria: Invitae Variant Classification Sherloc (09022015). Collection method: clinical testing. Allele origin: germline.

GeneDx
Classification: Uncertain significance. Last evaluated: 2020-01-14. Review status: criteria provided, single submitter. Criteria: GeneDx Variant Classification Process June 2021. Collection method: clinical testing. Allele origin: germline. Affected: yes.
Comment: In silico analysis, which includes protein predictors and evolutionary conservation, supports a deleterious effect; Has not been previously published as pathogenic or benign to our knowledge